The following is an entry in ClinVar:

NM_024079.5(ALG8):c.1274C>A (p.Pro425Gln)

Gene: ALG8 (ALG8 alpha-1,3-glucosyltransferase; minus strand). Cytogenetic location: 11q14.1.
Variant type: single nucleotide variant.
Coding change: c.1274C>A on transcript NM_024079.5 (MANE Select); coding-DNA position 1274, C replaced by A.
Protein change: p.Pro425Gln; replaces proline 425 with glutamine.
Molecular consequence: missense variant.
Genome position (GRCh38, 1-based): chr11:78,104,358, G>T on the plus strand (C>A on the coding strand, the complement: ALG8 is on the minus strand). VCF-style: chr11-78104358-G-T. GRCh37 (hg19) VCF-style: chr11-77815404-G-T.
Other names: c.1274C>A, p.Pro425Gln (NM_001007027.3); c.1274C>A (NM_024079.4); short protein forms P425Q.
Identifiers: ClinVar variation 2181408 (VCV002181408.6), dbSNP rs1056737656, ClinGen allele CA224903952.

ClinVar aggregate classification (germline): Uncertain significance. Review status: criteria provided, multiple submitters, no conflicts (2 of 4 stars). 3 submissions from 3 submitters: Uncertain significance (3). Last evaluated 2025-10-01.

Conditions:
ALG8-related disorder.
ALG8 congenital disorder of glycosylation. Also called: CDG Ih; CONGENITAL DISORDER OF GLYCOSYLATION, TYPE Ih; ALG8-CDG. Identifiers: Orphanet 79325, MedGen C2931002, MONDO:0011969, OMIM 608104.
Polycystic liver disease 3 with or without kidney cysts. Identifiers: MedGen C4693472, MONDO:0054743, OMIM 617874.

Allele frequency attached by ClinVar (database versions not stated): gnomAD 0.00001; TOPMed 0.00002.

Submissions (3):

Labcorp Genetics (formerly Invitae), Labcorp
Classification: Uncertain significance for ALG8 congenital disorder of glycosylation. Last evaluated: 2025-10-01. Review status: criteria provided, single submitter. Criteria: Invitae Variant Classification Sherloc (09022015). Collection method: clinical testing. Allele origin: germline.
Comment: This sequence change replaces proline, which is neutral and non-polar, with glutamine, which is neutral and polar, at codon 425 of the ALG8 protein (p.Pro425Gln). This variant is not present in population databases (gnomAD no frequency). This variant has not been reported in the literature in individuals affected with ALG8-related conditions. ClinVar contains an entry for this variant (Variation ID: 2181408). An algorithm developed to predict the effect of missense changes on protein structure and function (PolyPhen-2) suggests that this variant is likely to be tolerated. In summary, the available evidence is currently insufficient to determine the role of this variant in disease. Therefore, it has been classified as a Variant of Uncertain Significance.

Fulgent Genetics
Classification: Uncertain significance for ALG8 congenital disorder of glycosylation; Polycystic liver disease 3 with or without kidney cysts. Last evaluated: 2024-05-27. Review status: criteria provided, single submitter. Criteria: ACMG Guidelines, 2015. Collection method: clinical testing. Allele origin: germline.

PreventionGenetics, part of Exact Sciences
Classification: Uncertain significance for ALG8-related condition. Last evaluated: 2023-06-26. Review status: criteria provided, single submitter. Criteria: ACMG Guidelines, 2015. Collection method: clinical testing. Allele origin: germline.
Comment: The ALG8 c.1274C>A variant is predicted to result in the amino acid substitution p.Pro425Gln. To our knowledge, this variant has not been reported in the literature or in a large population database, indicating this variant is rare. At this time, the clinical significance of this variant is uncertain due to the absence of conclusive functional and genetic evidence.